The following is an entry in ClinVar:

ClinVar aggregate classification (germline): Uncertain significance (1 of 4 stars; one submission).

Conditions:
Charcot-Marie-Tooth disease type 2. Also called: Charcot-Marie-Tooth type 2. Identifiers: Orphanet 64746, MedGen C0270914, MONDO:0018993.

Submission:

Labcorp Genetics (formerly Invitae), Labcorp
Classification: Uncertain significance for Charcot-Marie-Tooth disease type 2. Last evaluated: 2025-09-10. Review status: criteria provided, single submitter. Criteria: Invitae Variant Classification Sherloc (09022015). Collection method: clinical testing. Allele origin: germline.
Comment: This sequence change falls in intron 18 of the AARS gene. It does not directly change the encoded amino acid sequence of the AARS protein. It affects a nucleotide within the consensus splice site. This variant is not present in population databases (gnomAD no frequency). This variant has not been reported in the literature in individuals affected with AARS-related conditions. Variants that disrupt the consensus splice site are a relatively common cause of aberrant splicing (PMID: 17576681, 9536098). Algorithms developed to predict the effect of sequence changes on RNA splicing suggest that this variant may disrupt the consensus splice site. In summary, the available evidence is currently insufficient to determine the role of this variant in disease. Therefore, it has been classified as a Variant of Uncertain Significance.

Literature cited by the submitters: PubMed 17576681; PubMed 9536098.

NM_001605.3(AARS1):c.2520+6T>A

Gene: AARS1 (alanyl-tRNA synthetase 1; minus strand). Cytogenetic location: 16q22.1.
Variant type: single nucleotide variant.
Coding change: c.2520+6T>A on transcript NM_001605.3 (MANE Select); 6 bases into the intron after coding-DNA position 2520, T replaced by A.
Molecular consequence: intron variant.
Genome position (GRCh38, 1-based): chr16:70,253,913, A>T on the plus strand (T>A on the coding strand, the complement: AARS1 is on the minus strand). VCF-style: chr16-70253913-A-T. GRCh37 (hg19) VCF-style: chr16-70287816-A-T.
Identifiers: ClinVar variation 4778140 (VCV004778140.1).